The following is an entry in ClinVar:

ClinVar aggregate classification (germline): Uncertain significance. Review status: criteria provided, multiple submitters, no conflicts (2 of 4 stars). 2 submissions from 2 submitters: Uncertain significance (2). Last evaluated 2026-03-15.

Conditions:
Hereditary cancer-predisposing syndrome. Also called: Hereditary neoplastic syndrome; Neoplastic Syndromes, Hereditary; Tumor predisposition; Hereditary Cancer Syndrome. Identifiers: Orphanet 140162, MedGen C0027672, MeSH D009386, MONDO:0015356.

Submissions (2):

Ambry Genetics
Classification: Uncertain significance for Hereditary cancer-predisposing syndrome. Last evaluated: 2026-03-15. Review status: criteria provided, single submitter. Criteria: Ambry Variant Classification Scheme 2023. Collection method: clinical testing. Allele origin: germline.
Comment: The p.R103S variant (also known as c.309G>T), located in coding exon 2 of the NTHL1 gene, results from a G to T substitution at nucleotide position 309. The arginine at codon 103 is replaced by serine, an amino acid with dissimilar properties. This amino acid position is conserved. In addition, this alteration is predicted to be deleterious by in silico analysis. Based on the available evidence, the clinical significance of this variant remains unclear.

Labcorp Genetics (formerly Invitae), Labcorp
Classification: Uncertain significance. Last evaluated: 2023-04-17. Review status: criteria provided, single submitter. Criteria: Invitae Variant Classification Sherloc (09022015). Collection method: clinical testing. Allele origin: germline.
Comment: This sequence change replaces arginine, which is basic and polar, with serine, which is neutral and polar, at codon 103 of the NTHL1 protein (p.Arg103Ser). In summary, the available evidence is currently insufficient to determine the role of this variant in disease. Therefore, it has been classified as a Variant of Uncertain Significance. An algorithm developed to predict the effect of missense changes on protein structure and function (PolyPhen-2) suggests that this variant is likely to be disruptive. This variant has not been reported in the literature in individuals affected with NTHL1-related conditions. This variant is not present in population databases (gnomAD no frequency).

NM_002528.7(NTHL1):c.285G>T (p.Arg95Ser)

Gene: NTHL1 (nth like DNA glycosylase 1; minus strand). Cytogenetic location: 16p13.3.
Variant type: single nucleotide variant.
Coding change: c.285G>T on transcript NM_002528.7 (MANE Select); coding-DNA position 285, G replaced by T.
Protein change: p.Arg95Ser; replaces arginine 95 with serine.
Molecular consequence: missense variant. On other transcripts: intron variant (1).
Genome position (GRCh38, 1-based): chr16:2,046,197, C>A on the plus strand (G>T on the coding strand, the complement: NTHL1 is on the minus strand). VCF-style: chr16-2046197-C-A. GRCh37 (hg19) VCF-style: chr16-2096198-C-A.
Other names: c.285G>T, p.Arg95Ser (NM_001318193.2); c.24+83G>T (NM_001318194.2); c.309G>T (NM_002528.5); short protein forms R95S.
Identifiers: ClinVar variation 2853296 (VCV002853296.4), dbSNP rs141911108, ClinGen allele CA394295679.